The following is an entry in ClinVar:

ClinVar aggregate classification (germline): Uncertain significance (1 of 4 stars; one submission).

Submission:

GeneDx
Classification: Uncertain significance. Last evaluated: 2017-03-30. Review status: criteria provided, single submitter. Criteria: GeneDx Variant Classification (06012015). Collection method: clinical testing. Allele origin: germline. Affected: yes.
Comment: The V740A variant in the KCNQ2 gene has not been reported previously as a pathogenic variant, nor as a benign variant, to our knowledge. The V740A variant is not observed in large population cohorts (Lek et al., 2016; 1000 Genomes Consortium et al., 2015; Exome Variant Server). The V740A variant is a conservative amino acid substitution, which is not likely to impact secondary protein structure as these residues share similar properties. This substitution is predicted to be within the C-terminal cytoplasmic domain and occurs at a position where amino acids with similar properties to Valine are tolerated across species. In silico analysis is inconsistent in its predictions as to whether or not the variant is damaging to the protein structure/function. We interpret V740A as a variant of uncertain significance.

NM_172107.4(KCNQ2):c.2219T>C (p.Val740Ala)

Gene: KCNQ2 (potassium voltage-gated channel subfamily Q member 2; minus strand). Cytogenetic location: 20q13.33.
Variant type: single nucleotide variant.
Coding change: c.2219T>C on transcript NM_172107.4 (MANE Select); coding-DNA position 2219, T replaced by C.
Protein change: p.Val740Ala; replaces valine 740 with alanine.
Molecular consequence: missense variant.
Genome position (GRCh38, 1-based): chr20:63,407,044, A>G on the plus strand (T>C on the coding strand, the complement: KCNQ2 is on the minus strand). VCF-style: chr20-63407044-A-G. GRCh37 (hg19) VCF-style: chr20-62038397-A-G.
Other names: c.2135T>C, p.Val712Ala (NM_004518.6); c.2165T>C, p.Val722Ala (NM_172106.3); c.2126T>C, p.Val709Ala (NM_172108.5); short protein forms V740A, V709A, V722A, V712A.
Identifiers: ClinVar variation 424526 (VCV000424526.2), dbSNP rs1064797020, ClinGen allele CA16620961.